The following is an entry in ClinVar:

NM_002109.6(HARS1):c.20T>A (p.Leu7Gln)

Genes: HARS1 (histidyl-tRNA synthetase 1; minus strand), LOC129994848 (ATAC-STARR-seq lymphoblastoid active region 23285; plus strand). Cytogenetic location: 5q31.3.
Variant type: single nucleotide variant.
Coding change: c.20T>A on transcript NM_002109.6 (MANE Select); coding-DNA position 20, T replaced by A.
Protein change: p.Leu7Gln; replaces leucine 7 with glutamine.
Molecular consequence: missense variant. On other transcripts: intron variant (1).
Genome position (GRCh38, 1-based): chr5:140,691,285, A>T on the plus strand (T>A on the coding strand, the complement: HARS1 is on the minus strand). VCF-style: chr5-140691285-A-T. GRCh37 (hg19) VCF-style: chr5-140070870-A-T.
Other names: c.20T>A, p.Leu7Gln (NM_001258040.3, NM_001258041.3, NM_001258042.3 and 2 more transcripts); c.3+17T>A (NM_001289094.2); short protein forms L7Q.
Identifiers: ClinVar variation 4778512 (VCV004778512.1).
Genomic context (GRCh38, chr5:140,691,285, plus strand): 5'-CTGGCCTTCTGCTGCTTGAGGCCTCGCACGCGCTCTCCCTGAAGTTTCACCAGCTCCTCC[A>T]GCGCCGCACGCTCTGCCATCCCGGCTGTCCACTTGAGCCGCCTGCTGTCTCGACCTGCGG-3'
Protein context (NP_002100.2, residues 1-17): MAERAA[Leu7Gln]EELVKLQGER

ClinVar aggregate classification (germline): Uncertain significance (1 of 4 stars; one submission).

Conditions:
Usher syndrome type 3B. Also called: USHER SYNDROME, TYPE IIIB. Identifiers: MedGen C3281066, MONDO:0013788, OMIM 614504.

gnomAD v4.1: 1 of 1,606,964 alleles (0.000062%); highest among the groups gnomAD compares: Non-Finnish European, 0.000085%; no homozygotes.

Submission:

Labcorp Genetics (formerly Invitae), Labcorp
Classification: Uncertain significance for Usher syndrome type 3B. Last evaluated: 2025-03-26. Review status: criteria provided, single submitter. Criteria: Invitae Variant Classification Sherloc (09022015). Collection method: clinical testing. Allele origin: germline.
Comment: This sequence change replaces leucine, which is neutral and non-polar, with glutamine, which is neutral and polar, at codon 7 of the HARS protein (p.Leu7Gln). This variant is not present in population databases (gnomAD no frequency). This variant has not been reported in the literature in individuals affected with HARS-related conditions. An algorithm developed to predict the effect of missense changes on protein structure and function (PolyPhen-2) suggests that this variant is likely to be disruptive. In summary, the available evidence is currently insufficient to determine the role of this variant in disease. Therefore, it has been classified as a Variant of Uncertain Significance.